The following is an entry in ClinVar:

NM_001369.3(DNAH5):c.2914A>C (p.Lys972Gln)

Genes: DNAH5-AS1 (DNAH5 antisense RNA 1; plus strand), DNAH5 (dynein axonemal heavy chain 5; minus strand). Cytogenetic location: 5p15.2.
Variant type: single nucleotide variant.
Coding change: c.2914A>C on transcript NM_001369.3 (MANE Select); coding-DNA position 2914, A replaced by C.
Protein change: p.Lys972Gln; replaces lysine 972 with glutamine.
Molecular consequence: missense variant.
Genome position (GRCh38, 1-based): chr5:13,885,058, T>G on the plus strand (A>C on the coding strand, the complement: DNAH5 is on the minus strand). VCF-style: chr5-13885058-T-G. GRCh37 (hg19) VCF-style: chr5-13885167-T-G.
Other names: c.2914A>C (NM_001369.2); short protein forms K972Q.
Identifiers: ClinVar variation 2137594 (VCV002137594.5), dbSNP rs776671484, ClinGen allele CA3204456.

ClinVar aggregate classification (germline): Conflicting classifications of pathogenicity. Review status: criteria provided, conflicting classifications (1 of 4 stars). 2 submissions from 2 submitters: Uncertain significance (1); Likely benign (1). Last evaluated 2025-04-20.

Conditions:
Primary ciliary dyskinesia. Also called: Ciliary dyskinesia. Identifiers: Orphanet 244, MedGen C0008780, MONDO:0016575, HP:0012265.

Allele frequency attached by ClinVar (database versions not stated): gnomAD 0.00002; TOPMed 0.00003; ExAC 0.00004; gnomAD exomes 0.00008.
gnomAD v4.1: 123 of 1,614,092 alleles (0.0076%); highest among the groups gnomAD compares: Non-Finnish European, 0.01%; no homozygotes.

Submissions (2):

Labcorp Genetics (formerly Invitae), Labcorp
Classification: Likely benign for Primary ciliary dyskinesia. Last evaluated: 2025-04-20. Review status: criteria provided, single submitter. Criteria: Invitae Variant Classification Sherloc (09022015). Collection method: clinical testing. Allele origin: germline.

Ambry Genetics
Classification: Uncertain significance for Primary ciliary dyskinesia. Last evaluated: 2024-09-30. Review status: criteria provided, single submitter. Criteria: Ambry Variant Classification Scheme 2023. Collection method: clinical testing. Allele origin: germline.
Comment: The p.K972Q variant (also known as c.2914A>C), located in coding exon 19 of the DNAH5 gene, results from an A to C substitution at nucleotide position 2914. The lysine at codon 972 is replaced by glutamine, an amino acid with similar properties. This amino acid position is conserved. In addition, this alteration is predicted to be tolerated by in silico analysis. Based on the available evidence, the clinical significance of this variant remains unclear.